The following is an entry in ClinVar:

NM_000540.3(RYR1):c.186_195del (p.Ile63fs)

Gene: RYR1 (ryanodine receptor 1; plus strand). Cytogenetic location: 19q13.2.
Variant type: Deletion.
Coding change: c.186_195del on transcript NM_000540.3 (MANE Select); coding-DNA positions 186 to 195, 10 bases deleted (CATCTGTTGC; older notation c.186_195delCATCTGTTGC).
Protein change: p.Ile63fs; shifts the reading frame from isoleucine 63.
Molecular consequence: frameshift variant.
Genome position (GRCh38, 1-based): chr19:38,442,369-38,442,378, CATCTGTTGC deleted; deleting any 10 consecutive bases within chr19:38,442,367-38,442,378 gives the same sequence; the c. name uses the placement nearest the transcript's 3' end. VCF-style (leftmost placement, unchanged base first): chr19-38442366-GGCCATCTGTT-G. GRCh37 (hg19) VCF-style: chr19-38933006-GGCCATCTGTT-G.
Other names: c.186_195del, p.Ile63fs (NM_001042723.2); short protein forms I63fs.
Identifiers: ClinVar variation 3069247 (VCV003069247.1), dbSNP rs2513965453, ClinGen allele CA2825002762.

ClinVar aggregate classification (germline): Uncertain significance (1 of 4 stars; one submission).

Conditions:
Malignant hyperthermia, susceptibility to, 1 (MHS1). Also called: RYR1-Related Malignant Hyperthermia Susceptibility; Anesthesia related hyperthermia; Malignant hyperpyrexia; Fulminating hyperpyrexia; Pharmacogenic myopathy; Malignant hyperthermia suceptibility 1. Identifiers: Orphanet 423, MedGen C2930980, MONDO:0007783, OMIM 145600.

Submission:

All of Us Research Program, National Institutes of Health
Classification: Uncertain significance for Malignant hyperthermia, susceptibility to, 1. Last evaluated: 2023-05-30. Review status: criteria provided, single submitter. Criteria: ACMG Guidelines, 2015. Collection method: clinical testing. Allele origin: germline. Inheritance: Autosomal dominant inheritance. Observed: 1 variant allele, 1 heterozygote.
Comment: This variant deletes 10 nucleotides in exon 3 of the RYR1 gene, creating a frameshift and premature translation stop signal. This variant is expected to result in an absent or non-functional protein product. To our knowledge, this variant has not been reported in individuals affected with RYR1-related disorders in the literature. This variant has not been identified in the general population by the Genome Aggregation Database (gnomAD). Loss of RYR1 function due to haploinsufficiency is not an established disease mechanism for autosomal dominant malignant hyperthermia, although it is associated with other phenotype(s). The available evidence is insufficient to determine the role of this variant in disease conclusively. Therefore, this variant is classified as a Variant of Uncertain Significance for autosomal dominant malignant hyperthermia.

This study involves interpretation of variants in research participants for the purpose of population health screening. Participant phenotype was not available at the time of variant classification. Additional details can be found in publication PMID: 35346344, PMCID: PMC8962531